The following is an entry in ClinVar:

NM_024757.5(EHMT1):c.823+26T>C

Gene: EHMT1 (euchromatic histone lysine methyltransferase 1; plus strand). Cytogenetic location: 9q34.3.
Variant type: single nucleotide variant.
Coding change: c.823+26T>C on transcript NM_024757.5 (MANE Select); 26 bases into the intron after coding-DNA position 823, T replaced by C.
Molecular consequence: intron variant.
Genome position (GRCh38, 1-based): chr9:137,728,555, T>C. VCF-style: chr9-137728555-T-C. GRCh37 (hg19) VCF-style: chr9-140623007-T-C.
Other names: c.823+26T>C (NM_001354263.2, NM_001145527.2, NM_001354611.2); c.730+26T>C (NM_001354259.2, NM_001354612.2).
Identifiers: ClinVar variation 1283892 (VCV001283892.25), dbSNP rs41309984, ClinGen allele CA5374415.

ClinVar aggregate classification (germline): Benign. Review status: criteria provided, multiple submitters, no conflicts (2 of 4 stars). 2 submissions from 2 submitters: Benign (2). Last evaluated 2022-07-01.

Allele frequency attached by ClinVar (database versions not stated): 1000 Genomes Project 30x 0.00047; 1000 Genomes Project 0.00060; TOPMed 0.00122; gnomAD 0.00147 and 0.00157; gnomAD exomes 0.00172 and 0.00182; ESP Exome Variant Server 0.00177; ExAC 0.00216.
gnomAD v4.1: 2,852 of 1,614,004 alleles (0.18%); highest among the groups gnomAD compares: Non-Finnish European, 0.21%; 2 homozygotes.

Submissions (2):

CeGaT Center for Human Genetics Tuebingen
Classification: Benign. Last evaluated: 2022-07-01. Review status: criteria provided, single submitter. Criteria: CeGaT Center For Human Genetics Tuebingen Variant Classification Criteria Version 2. Collection method: clinical testing. Allele origin: germline. Affected: yes. Observed: 1 variant allele.
Comment: EHMT1: BS1, BS2

GeneDx
Classification: Benign. Last evaluated: 2020-06-07. Review status: criteria provided, single submitter. Criteria: GeneDx Variant Classification Process June 2021. Collection method: clinical testing. Allele origin: germline. Affected: yes.